The following is an entry in ClinVar:

ClinVar aggregate classification (germline): Uncertain significance. Review status: criteria provided, multiple submitters, no conflicts (2 of 4 stars). 2 submissions from 2 submitters: Uncertain significance (2). Last evaluated 2025-08-29.

Conditions:
Inborn genetic diseases. Identifiers: MedGen C0950123, MeSH D030342.
Eichsfeld type congenital muscular dystrophy (CMYO3). Also called: MYOPATHY, SEPN1-RELATED; SELENON-related myopathy; Congenital myopathy 3 with rigid spine; Rigid spine muscular dystrophy 1. Identifiers: MedGen C0410180, MONDO:0100100, OMIM 602771.

Allele frequency attached by ClinVar (database versions not stated): TOPMed below 0.00001; ExAC 0.00001; gnomAD exomes 0.00002.
gnomAD v4.1: 7 of 1,614,092 alleles (0.00043%); highest among the groups gnomAD compares: East Asian, 0.0022%; no homozygotes.

Submissions (2):

Ambry Genetics
Classification: Uncertain significance for Inborn genetic diseases. Last evaluated: 2025-08-29. Review status: criteria provided, single submitter. Criteria: Ambry Variant Classification Scheme 2023. Collection method: clinical testing. Allele origin: germline.

Labcorp Genetics (formerly Invitae), Labcorp
Classification: Uncertain significance for Eichsfeld type congenital muscular dystrophy. Last evaluated: 2024-11-22. Review status: criteria provided, single submitter. Criteria: Invitae Variant Classification Sherloc (09022015). Collection method: clinical testing. Allele origin: germline.
Comment: This sequence change replaces proline, which is neutral and non-polar, with leucine, which is neutral and non-polar, at codon 301 of the SELENON protein (p.Pro301Leu). This variant is present in population databases (rs767340103, gnomAD 0.007%). This variant has not been reported in the literature in individuals affected with SELENON-related conditions. ClinVar contains an entry for this variant (Variation ID: 839099). Invitae Evidence Modeling of protein sequence and biophysical properties (such as structural, functional, and spatial information, amino acid conservation, physicochemical variation, residue mobility, and thermodynamic stability) indicates that this missense variant is not expected to disrupt SELENON protein function with a negative predictive value of 80%. In summary, the available evidence is currently insufficient to determine the role of this variant in disease. Therefore, it has been classified as a Variant of Uncertain Significance.

NM_206926.2(SELENON):c.800C>T (p.Pro267Leu)

Gene: SELENON (selenoprotein N; plus strand). Cytogenetic location: 1p36.11.
Variant type: single nucleotide variant.
Coding change: c.800C>T on transcript NM_206926.2 (MANE Select); coding-DNA position 800, C replaced by T.
Protein change: p.Pro267Leu; replaces proline 267 with leucine.
Molecular consequence: missense variant.
Genome position (GRCh38, 1-based): chr1:25,809,712, C>T. VCF-style: chr1-25809712-C-T. GRCh37 (hg19) VCF-style: chr1-26136203-C-T.
Other names: c.902C>T, p.Pro301Leu (NM_020451.3); short protein forms P267L, P301L.
Identifiers: ClinVar variation 839099 (VCV000839099.8), dbSNP rs767340103, ClinGen allele CA696680.